The following is an entry in ClinVar:

NM_201384.3(PLEC):c.1676G>A (p.Arg559Gln)

Gene: PLEC (plectin; minus strand). Cytogenetic location: 8q24.3.
Variant type: single nucleotide variant.
Coding change: c.1676G>A on transcript NM_201384.3 (MANE Select); coding-DNA position 1676, G replaced by A.
Protein change: p.Arg559Gln; replaces arginine 559 with glutamine.
Molecular consequence: missense variant.
Genome position (GRCh38, 1-based): chr8:143,932,854, C>T on the plus strand (G>A on the coding strand, the complement: PLEC is on the minus strand). VCF-style: chr8-143932854-C-T. GRCh37 (hg19) VCF-style: chr8-145007022-C-T.
Other names: c.1757G>A, p.Arg586Gln (NM_000445.5); c.1634G>A, p.Arg545Gln (NM_201378.4); c.1610G>A, p.Arg537Gln (NM_201379.3); c.2087G>A, p.Arg696Gln (NM_201380.4); c.1580G>A, p.Arg527Gln (NM_201381.3); c.1676G>A, p.Arg559Gln (NM_201382.4); c.1688G>A, p.Arg563Gln (NM_201383.3); short protein forms R527Q, R537Q, R545Q, R559Q, R563Q, R586Q, R696Q.
Identifiers: ClinVar variation 403326 (VCV000403326.16), dbSNP rs376555091, ClinGen allele CA4927900.
Genomic context (GRCh38, chr8:143,932,854, plus strand): 5'-TCGTCACTCCGTGCCCGCTCGATCTTGGCCCGGAATTCTTCGATGGACTGGTGCAGGCCT[C>T]GGTGGCTGCCCAGCTGCGCCTCCACGCTGGGCAGGTCCACACCCCACTCAGCGCCATCCA-3'
Protein context (NP_958786.1, residues 549-569): PSVEAQLGSH[Arg559Gln]GLHQSIEEFR

ClinVar aggregate classification (germline): Conflicting classifications of pathogenicity. Review status: criteria provided, conflicting classifications (1 of 4 stars). 4 submissions from 4 submitters: Uncertain significance (3); Likely benign (1). Last evaluated 2025-08-10.

Conditions:
Epidermolysis bullosa simplex with nail dystrophy (EBS5D). Identifiers: MedGen C4225309, MONDO:0014661, OMIM 616487.
Epidermolysis bullosa simplex, Ogna type (EBS5A). Also called: Pidermolysis bullosa simplex 5A, Ogna type; EPIDERMOLYSIS BULLOSA SIMPLEX 5A, OGNA TYPE. Identifiers: Orphanet 79401, MedGen C0432317, MONDO:0007555, OMIM 131950.
Epidermolysis bullosa simplex 5C, with pyloric atresia (EBS5C). Also called: PLEC1-Related Epidermolysis Bullosa with Pyloric Atresia; PLEC-Related Epidermolysis Bullosa with Pyloric Atresia; Epidermolysis bullosa simplex with pyloric atresia. Identifiers: Orphanet 158684, MedGen C2677349, MONDO:0012807, OMIM 612138.
Epidermolysis bullosa simplex 5B, with muscular dystrophy (EBS5B). Also called: EPIDERMOLYSIS BULLOSA SIMPLEX AND LIMB-GIRDLE MUSCULAR DYSTROPHY; Epidermolysis bullosa simplex with muscular dystrophy. Identifiers: Orphanet 257, MedGen C2931072, MONDO:0009181, OMIM 226670.
Autosomal recessive limb-girdle muscular dystrophy type 2Q (LGMDR17). Also called: MUSCULAR DYSTROPHY, LIMB-GIRDLE, AUTOSOMAL RECESSIVE 17. Identifiers: Orphanet 254361, MedGen C3150989, MONDO:0013390, OMIM 613723.

Allele frequency attached by ClinVar (database versions not stated): gnomAD 0.00006 and 0.00005; TOPMed 0.00007; ESP Exome Variant Server 0.00016; gnomAD exomes 0.00002 and 0.00005; ExAC 0.00006.
gnomAD v4.1: 38 of 1,612,222 alleles (0.0024%); highest among the groups gnomAD compares: African/African-American, 0.015%; no homozygotes.

Submissions (4):

Labcorp Genetics (formerly Invitae), Labcorp
Classification: Uncertain significance for Autosomal recessive limb-girdle muscular dystrophy type 2Q; Epidermolysis bullosa simplex, Ogna type; Epidermolysis bullosa simplex with nail dystrophy; Epidermolysis bullosa simplex 5C, with pyloric atresia; Epidermolysis bullosa simplex 5B, with muscular dystrophy. Last evaluated: 2025-08-10. Review status: criteria provided, single submitter. Criteria: Invitae Variant Classification Sherloc (09022015). Collection method: clinical testing. Allele origin: germline.
Comment: This sequence change replaces arginine, which is basic and polar, with glutamine, which is neutral and polar, at codon 586 of the PLEC protein (p.Arg586Gln). This variant is present in population databases (rs376555091, gnomAD 0.03%). This variant has not been reported in the literature in individuals affected with PLEC-related conditions. ClinVar contains an entry for this variant (Variation ID: 403326). Invitae Evidence Modeling of protein sequence and biophysical properties (such as structural, functional, and spatial information, amino acid conservation, physicochemical variation, residue mobility, and thermodynamic stability) indicates that this missense variant is not expected to disrupt PLEC protein function with a negative predictive value of 80%. In summary, the available evidence is currently insufficient to determine the role of this variant in disease. Therefore, it has been classified as a Variant of Uncertain Significance.

Revvity Omics, Revvity
Classification: Uncertain significance. Last evaluated: 2023-08-02. Review status: criteria provided, single submitter. Criteria: ACMG Guidelines, 2015. Collection method: clinical testing. Allele origin: germline.

GeneDx
Classification: Likely benign. Last evaluated: 2020-01-07. Review status: criteria provided, single submitter. Criteria: GeneDx Variant Classification Process June 2021. Collection method: clinical testing. Allele origin: germline. Affected: yes.

Laboratory for Molecular Medicine, Mass General Brigham Personalized Medicine
Classification: Uncertain significance. Last evaluated: 2016-04-25. Review status: criteria provided, single submitter. Criteria: LMM Criteria. Collection method: clinical testing. Allele origin: germline.
Comment: Variant identified in a genome or exome case(s) and assessed due to predicted null impact of the variant or pathogenic assertions in the literature or databases. Disclaimer: This variant has not undergone full assessment. The following are preliminary notes: Variant has not been reported. 0.02% freq in ESP.